The following is an entry in ClinVar:

ClinVar aggregate classification (germline): Uncertain significance. Review status: criteria provided, multiple submitters, no conflicts (2 of 4 stars). 2 submissions from 2 submitters: Uncertain significance (2). Last evaluated 2025-09-04.

Conditions:
Cardiovascular phenotype. Identifiers: MedGen CN230736.
DiGeorge syndrome. Also called: THIRD AND FOURTH PHARYNGEAL POUCH SYNDROME; Catch22. Identifiers: Orphanet 567, MedGen C0012236, MONDO:0008564, OMIM 188400.

Allele frequency attached by ClinVar (database versions not stated): gnomAD exomes below 0.00001; TOPMed 0.00002.
gnomAD v4.1: 1 of 782,098 alleles (0.00013%); highest among the groups gnomAD compares: Non-Finnish European, 0.00015%; no homozygotes.

Submissions (2):

Ambry Genetics
Classification: Uncertain significance for Cardiovascular phenotype. Last evaluated: 2025-09-04. Review status: criteria provided, single submitter. Criteria: Ambry Variant Classification Scheme 2023. Collection method: clinical testing. Allele origin: germline.
Comment: The p.P63L variant (also known as c.188C>T), located in coding exon 2 of the TBX1 gene, results from a C to T substitution at nucleotide position 188. The proline at codon 63 is replaced by leucine, an amino acid with similar properties. This amino acid position is conserved. In addition, this alteration is predicted to be tolerated by in silico analysis. Since supporting evidence is limited at this time, the clinical significance of this alteration remains unclear.

Labcorp Genetics (formerly Invitae), Labcorp
Classification: Uncertain significance for DiGeorge syndrome. Last evaluated: 2024-07-01. Review status: criteria provided, single submitter. Criteria: Invitae Variant Classification Sherloc (09022015). Collection method: clinical testing. Allele origin: germline.
Comment: This sequence change replaces proline, which is neutral and non-polar, with leucine, which is neutral and non-polar, at codon 63 of the TBX1 protein (p.Pro63Leu). The frequency data for this variant in the population databases is considered unreliable, as metrics indicate insufficient coverage at this position in the gnomAD database. This variant has not been reported in the literature in individuals affected with TBX1-related conditions. ClinVar contains an entry for this variant (Variation ID: 1782040). Advanced modeling of protein sequence and biophysical properties (such as structural, functional, and spatial information, amino acid conservation, physicochemical variation, residue mobility, and thermodynamic stability) performed at Invitae indicates that this missense variant is not expected to disrupt TBX1 protein function with a negative predictive value of 80%. In summary, the available evidence is currently insufficient to determine the role of this variant in disease. Therefore, it has been classified as a Variant of Uncertain Significance.

NM_001379200.1(TBX1):c.215C>T (p.Pro72Leu)

Gene: TBX1 (T-box transcription factor 1; plus strand). Cytogenetic location: 22q11.21.
Variant type: single nucleotide variant.
Coding change: c.215C>T on transcript NM_001379200.1 (MANE Select); coding-DNA position 215, C replaced by T.
Protein change: p.Pro72Leu; replaces proline 72 with leucine.
Molecular consequence: missense variant.
Genome position (GRCh38, 1-based): chr22:19,761,058, C>T. VCF-style: chr22-19761058-C-T. GRCh37 (hg19) VCF-style: chr22-19748581-C-T.
Other names: c.188C>T, p.Pro63Leu (NM_005992.1, NM_080646.2, NM_080647.1); short protein forms P63L, P72L.
Identifiers: ClinVar variation 1782040 (VCV001782040.5), dbSNP rs975164324, ClinGen allele CA322052003.
Genomic context (GRCh38, chr22:19,761,058, plus strand): 5'-CCCCGCCGCCGCCGCCGCGCTACGACCCGTGCGCCGCCGCCGCCCCCGGCGCCCCGGGCC[C>T]GCCGCCGCCGCCGCACGCCTACCCGTTTGCGCCGGCCGCCGGGGCCGCCACCAGCGCCGC-3'
Protein context (NP_001366129.1, residues 62-82): CAAAAPGAPG[Pro72Leu]PPPPHAYPFA